The following is an entry in ClinVar:

NM_001099922.3(ALG13):c.2572A>G (p.Asn858Asp)

Gene: ALG13 (ALG13 UDP-N-acetylglucosaminyltransferase subunit; plus strand). Cytogenetic location: Xq23.
Variant type: single nucleotide variant.
Coding change: c.2572A>G on transcript NM_001099922.3 (MANE Select); coding-DNA position 2572, A replaced by G.
Protein change: p.Asn858Asp; replaces asparagine 858 with aspartic acid.
Molecular consequence: missense variant. On other transcripts: non-coding transcript variant (1).
Genome position (GRCh38, 1-based): chrX:111,736,756, A>G. VCF-style: chrX-111736756-A-G. GRCh37 (hg19) VCF-style: chrX-110979984-A-G.
Other names: c.2260A>G, p.Asn754Asp (NM_001257230.2, NM_001257234.2, NM_001257237.2); c.2338A>G, p.Asn780Asp (NM_001257231.2); c.2572A>G, p.Asn858Asp (NM_001324292.2); c.2086A>G, p.Asn696Asp (NM_001324293.1); short protein forms N696D, N754D, N780D, N858D.
Identifiers: ClinVar variation 2446114 (VCV002446114.3), dbSNP rs2526152185, ClinGen allele CA414254388.

ClinVar aggregate classification (germline): Uncertain significance. Review status: criteria provided, multiple submitters, no conflicts (2 of 4 stars). 2 submissions from 2 submitters: Uncertain significance (2). Last evaluated 2024-06-24.

Conditions:
Developmental and epileptic encephalopathy, 36 (DEE36). Also called: Congenital disorder of glycosylation, type Is; ALG13-CDG; Epileptic encephalopathy, early infantile, 36. Identifiers: Orphanet 324422, MedGen C4317295, MONDO:0010472, OMIM 300884.

Submissions (2):

Labcorp Genetics (formerly Invitae), Labcorp
Classification: Uncertain significance for Developmental and epileptic encephalopathy, 36. Last evaluated: 2024-06-24. Review status: criteria provided, single submitter. Criteria: Invitae Variant Classification Sherloc (09022015). Collection method: clinical testing. Allele origin: germline.
Comment: This sequence change replaces asparagine, which is neutral and polar, with aspartic acid, which is acidic and polar, at codon 858 of the ALG13 protein (p.Asn858Asp). This variant is not present in population databases (gnomAD no frequency). This variant has not been reported in the literature in individuals affected with ALG13-related conditions. ClinVar contains an entry for this variant (Variation ID: 2446114). Advanced modeling of protein sequence and biophysical properties (such as structural, functional, and spatial information, amino acid conservation, physicochemical variation, residue mobility, and thermodynamic stability) performed at Invitae indicates that this missense variant is not expected to disrupt ALG13 protein function with a negative predictive value of 80%. In summary, the available evidence is currently insufficient to determine the role of this variant in disease. Therefore, it has been classified as a Variant of Uncertain Significance.

GeneDx
Classification: Uncertain significance. Last evaluated: 2022-09-23. Review status: criteria provided, single submitter. Criteria: GeneDx Variant Classification Process June 2021. Collection method: clinical testing. Allele origin: germline. Affected: yes.
Comment: Not observed at significant frequency in large population cohorts (gnomAD); In silico analysis supports that this missense variant does not alter protein structure/function; Has not been previously published as pathogenic or benign to our knowledge